The following is an entry in ClinVar:

ClinVar aggregate classification (germline): Uncertain significance. Review status: criteria provided, multiple submitters, no conflicts (2 of 4 stars). 2 submissions from 2 submitters: Uncertain significance (2). Last evaluated 2022-06-13.

Conditions:
Muscular dystrophy-dystroglycanopathy (congenital with brain and eye anomalies), type A9. Also called: Muscular dystrophy-dystroglycanopathy (congenital with brain and eye anomalies), type a, 9; WALKER-WARBURG SYNDROME OR MUSCLE-EYE BRAIN DISEASE, DAG1-RELATED. Identifiers: Orphanet 370997, Orphanet 899, MedGen C4225291, MONDO:0014683, OMIM 616538.
Autosomal recessive limb-girdle muscular dystrophy type 2P. Also called: MUSCULAR DYSTROPHY-DYSTROGLYCANOPATHY, LIMB-GIRDLE, DAG1-RELATED; Limb-Girdle Muscular Dystrophy Type 9C; MUSCULAR DYSTROPHY, LIMB-GIRDLE, TYPE 2P. Identifiers: Orphanet 280333, MedGen C4511963, MONDO:0013440, OMIM 613818.
Inborn genetic diseases. Identifiers: MedGen C0950123, MeSH D030342.

Allele frequency attached by ClinVar (database versions not stated): gnomAD exomes below 0.00001 and 0.00001; TOPMed below 0.00001; gnomAD 0.00001.
gnomAD v4.1: 4 of 1,613,980 alleles (0.00025%); highest among the groups gnomAD compares: Non-Finnish European, 0.00034%; no homozygotes.

Submissions (2):

Labcorp Genetics (formerly Invitae), Labcorp
Classification: Uncertain significance for Autosomal recessive limb-girdle muscular dystrophy type 2P; Muscular dystrophy-dystroglycanopathy (congenital with brain and eye anomalies), type A9. Last evaluated: 2022-06-13. Review status: criteria provided, single submitter. Criteria: Invitae Variant Classification Sherloc (09022015). Collection method: clinical testing. Allele origin: germline.
Comment: In summary, the available evidence is currently insufficient to determine the role of this variant in disease. Therefore, it has been classified as a Variant of Uncertain Significance. Algorithms developed to predict the effect of missense changes on protein structure and function are either unavailable or do not agree on the potential impact of this missense change (SIFT: "Tolerated"; PolyPhen-2: "Possibly Damaging"; Align-GVGD: "Class C0"). This variant has not been reported in the literature in individuals affected with DAG1-related conditions. This variant is present in population databases (no rsID available, gnomAD 0.0009%). This sequence change replaces isoleucine, which is neutral and non-polar, with methionine, which is neutral and non-polar, at codon 769 of the DAG1 protein (p.Ile769Met).

Ambry Genetics
Classification: Uncertain significance for Inborn genetic diseases. Last evaluated: 2021-05-01. Review status: criteria provided, single submitter. Criteria: Ambry Variant Classification Scheme 2023. Collection method: clinical testing. Allele origin: germline.

NM_004393.6(DAG1):c.2307C>G (p.Ile769Met)

Gene: DAG1 (dystroglycan 1; plus strand). Cytogenetic location: 3p21.31.
Variant type: single nucleotide variant.
Coding change: c.2307C>G on transcript NM_004393.6 (MANE Select); coding-DNA position 2307, C replaced by G.
Protein change: p.Ile769Met; replaces isoleucine 769 with methionine.
Molecular consequence: missense variant.
Genome position (GRCh38, 1-based): chr3:49,532,818, C>G. VCF-style: chr3-49532818-C-G. GRCh37 (hg19) VCF-style: chr3-49570251-C-G.
Other names: c.2307C>G, p.Ile769Met (NM_001165928.4, NM_001177634.3, NM_001177635.3 and 9 more transcripts); c.2307C>G (NM_004393.4); short protein forms I769M.
Identifiers: ClinVar variation 1505651 (VCV001505651.9), dbSNP rs1319468242, ClinGen allele CA352797416.